The following is an entry in ClinVar:

NM_004168.4(SDHA):c.862C>G (p.Gln288Glu)

Gene: SDHA (succinate dehydrogenase complex flavoprotein subunit A; plus strand). Cytogenetic location: 5p15.33.
Variant type: single nucleotide variant.
Coding change: c.862C>G on transcript NM_004168.4 (MANE Select); coding-DNA position 862, C replaced by G.
Protein change: p.Gln288Glu; replaces glutamine 288 with glutamic acid.
Molecular consequence: missense variant.
Genome position (GRCh38, 1-based): chr5:230,967, C>G. VCF-style: chr5-230967-C-G. GRCh37 (hg19) VCF-style: chr5-231082-C-G.
Other names: c.718C>G, p.Gln240Glu (NM_001294332.2); c.862C>G, p.Gln288Glu (NM_001330758.2); short protein forms Q288E, Q240E.
Identifiers: ClinVar variation 4843554 (VCV004843554.1).

ClinVar aggregate classification (germline): Uncertain significance (1 of 4 stars; one submission).

Conditions:
Hereditary cancer-predisposing syndrome. Also called: Neoplastic Syndromes, Hereditary; Tumor predisposition; Hereditary Cancer Syndrome; Hereditary neoplastic syndrome. Identifiers: Orphanet 140162, MedGen C0027672, MeSH D009386, MONDO:0015356.

gnomAD v4.1: 2 of 1,613,980 alleles (0.00012%); highest among the groups gnomAD compares: Non-Finnish European, 0.00017%; no homozygotes.

Submission:

Ambry Genetics
Classification: Uncertain significance for Hereditary cancer-predisposing syndrome. Last evaluated: 2025-12-29. Review status: criteria provided, single submitter. Criteria: Ambry Variant Classification Scheme 2023. Collection method: clinical testing. Allele origin: germline.
Comment: The p.Q288E variant (also known as c.862C>G), located in coding exon 7 of the SDHA gene, results from a C to G substitution at nucleotide position 862. The glutamine at codon 288 is replaced by glutamic acid, an amino acid with highly similar properties. This amino acid position is conserved. In addition, this alteration is predicted to be tolerated by in silico analysis. Based on the available evidence, the clinical significance of this variant remains unclear.